The following is an entry in ClinVar:

NM_181712.5(KANK4):c.1996G>T (p.Val666Phe)

Gene: KANK4 (KN motif and ankyrin repeat domains 4; minus strand). Cytogenetic location: 1p31.3.
Variant type: single nucleotide variant.
Coding change: c.1996G>T on transcript NM_181712.5 (MANE Select); coding-DNA position 1996, G replaced by T.
Protein change: p.Val666Phe; replaces valine 666 with phenylalanine.
Molecular consequence: missense variant.
Genome position (GRCh38, 1-based): chr1:62,271,494, C>A on the plus strand (G>T on the coding strand, the complement: KANK4 is on the minus strand). VCF-style: chr1-62271494-C-A. GRCh37 (hg19) VCF-style: chr1-62737166-C-A.
Other names: c.112G>T, p.Val38Phe (NM_001320269.2); short protein forms V666F, V38F.
Identifiers: ClinVar variation 3673698 (VCV003673698.2).

ClinVar aggregate classification (germline): Uncertain significance (1 of 4 stars; one submission).

gnomAD v4.1: 10 of 1,613,304 alleles (0.00062%); highest among the groups gnomAD compares: South Asian, 0.0055%; no homozygotes.

Submission:

Labcorp Genetics (formerly Invitae), Labcorp
Classification: Uncertain significance. Last evaluated: 2024-12-19. Review status: criteria provided, single submitter. Criteria: Invitae Variant Classification Sherloc (09022015). Collection method: clinical testing. Allele origin: germline.
Comment: This sequence change replaces valine, which is neutral and non-polar, with phenylalanine, which is neutral and non-polar, at codon 666 of the KANK4 protein (p.Val666Phe). This variant is present in population databases (rs753061564, gnomAD 0.01%). This variant has not been reported in the literature in individuals affected with KANK4-related conditions. An algorithm developed to predict the effect of missense changes on protein structure and function (PolyPhen-2) suggests that this variant is likely to be disruptive. In summary, the available evidence is currently insufficient to determine the role of this variant in disease. Therefore, it has been classified as a Variant of Uncertain Significance.